The following is an entry in ClinVar:

NM_025114.4(CEP290):c.6592G>A (p.Gly2198Ser)

Gene: CEP290 (centrosomal protein 290; minus strand). Cytogenetic location: 12q21.32.
Variant type: single nucleotide variant.
Coding change: c.6592G>A on transcript NM_025114.4 (MANE Select); coding-DNA position 6592, G replaced by A.
Protein change: p.Gly2198Ser; replaces glycine 2198 with serine.
Molecular consequence: missense variant.
Genome position (GRCh38, 1-based): chr12:88,059,951, C>T on the plus strand (G>A on the coding strand, the complement: CEP290 is on the minus strand). VCF-style: chr12-88059951-C-T. GRCh37 (hg19) VCF-style: chr12-88453728-C-T.
Other names: short protein forms G2198S.
Identifiers: ClinVar variation 5002476 (VCV005002476.1).
Genomic context (GRCh38, chr12:88,059,951, plus strand): 5'-GTCATACTTTTTTAAGTTCTTTACGAAGCCTTTCATTTTCAGCAATAATTTTTTCTGTGC[C>T]TTTGGTCTTGGATTCATAGTGCATGCTCAACTGATGCCCAAGATGAGCTTTAAGTTTTTC-3'
Protein context (NP_079390.3, residues 2188-2208): LSMHYESKTK[Gly2198Ser]TEKIIAENER

ClinVar aggregate classification (germline): Uncertain significance (1 of 4 stars; one submission).

Conditions:
CEP290-related disorder. Also called: CEP290-related condition; CEP290-related disorders. Identifiers: MedGen CN239314.

Submission:

PreventionGenetics, part of Exact Sciences
Classification: Uncertain significance for CEP290-related condition. Last evaluated: 2025-02-19. Review status: criteria provided, single submitter. Criteria: ACMG Guidelines, 2015. Collection method: clinical testing. Allele origin: germline.
Comment: The CEP290 c.6592G>A variant is predicted to result in the amino acid substitution p.Gly2198Ser. To our knowledge, this variant has not been reported in the literature or in a large population database (gnomAD), indicating this variant is rare. At this time, the clinical significance of this variant is uncertain due to the absence of conclusive functional and genetic evidence.